The following is an entry in ClinVar:

ClinVar aggregate classification (germline): Uncertain significance (0 of 4 stars; one submission).

Conditions:
ALMS1-related disorder. Also called: ALMS1-related condition.

Submission:

PreventionGenetics, part of Exact Sciences
Classification: Uncertain significance for ALMS1-related condition. Last evaluated: 2024-08-27. Review status: no assertion criteria provided. Collection method: clinical testing. Allele origin: germline.
Comment: The ALMS1 c.8540G>A variant is predicted to result in the amino acid substitution p.Gly2847Asp. To our knowledge, this variant has not been reported in the literature. This variant is reported in 0.0023% of alleles in individuals of European (Non-Finnish) descent in gnomAD. At this time, the clinical significance of this variant is uncertain due to the absence of conclusive functional and genetic evidence.

NM_001378454.1(ALMS1):c.8537G>A (p.Ser2846Asn)

Gene: ALMS1 (ALMS1 centrosome and basal body associated protein; plus strand). Cytogenetic location: 2p13.1.
Variant type: single nucleotide variant.
Coding change: c.8537G>A on transcript NM_001378454.1 (MANE Select); coding-DNA position 8537, G replaced by A.
Protein change: p.Ser2846Asn; replaces serine 2846 with asparagine.
Molecular consequence: missense variant.
Genome position (GRCh38, 1-based): chr2:73,490,496, G>A. VCF-style: chr2-73490496-G-A. GRCh37 (hg19) VCF-style: chr2-73717623-G-A.
Other names: c.8540G>A, p.Ser2847Asn (NM_015120.4); short protein forms S2846N, S2847N.
Identifiers: ClinVar variation 3351403 (VCV003351403.1).